The following is an entry in ClinVar:

NM_014921.5(ADGRL1):c.2999G>A (p.Trp1000Ter)

Genes: ADGRL1 (adhesion G protein-coupled receptor L1; minus strand), ADGRL1-AS1 (ADGRL1 antisense RNA 1; plus strand). Cytogenetic location: 19p13.12.
Variant type: single nucleotide variant.
Coding change: c.2999G>A on transcript NM_014921.5 (MANE Select); coding-DNA position 2999, G replaced by A.
Protein change: p.Trp1000Ter; replaces tryptophan 1000 with a stop codon.
Molecular consequence: nonsense.
Genome position (GRCh38, 1-based): chr19:14,156,692, C>T on the plus strand (G>A on the coding strand, the complement: ADGRL1 is on the minus strand). VCF-style: chr19-14156692-C-T. GRCh37 (hg19) VCF-style: chr19-14267504-C-T.
Other names: c.3014G>A, p.Trp1005Ter (NM_001008701.3); short protein forms W1000*, W1005*.
Identifiers: ClinVar variation 4975068 (VCV004975068.1).

ClinVar aggregate classification (germline): Uncertain significance (1 of 4 stars; one submission).

Submission:

GeneDx
Classification: Uncertain significance. Last evaluated: 2026-03-04. Review status: criteria provided, single submitter. Criteria: GeneDx Variant Classification Process June 2021. Collection method: clinical testing. Allele origin: germline.
Comment: Not observed at significant frequency in large population cohorts (gnomAD); Nonsense variant predicted to result in protein truncation or nonsense mediated decay in a gene or region of a gene for which loss of function is not a well-established mechanism of disease; Has not been previously published as pathogenic or benign to our knowledge; Variants in candidate genes are classified as variants of uncertain significance in accordance with ACMG guidelines (PMID: 25741868)